The following is an entry in ClinVar:

ClinVar aggregate classification (germline): Conflicting classifications of pathogenicity. Review status: criteria provided, conflicting classifications (1 of 4 stars). 4 submissions from 4 submitters: Uncertain significance (2); Likely benign (1). 1 of the submissions does not count toward it. Last evaluated 2025-12-02.

Conditions:
Hereditary cancer-predisposing syndrome. Also called: Hereditary Cancer Syndrome; Hereditary neoplastic syndrome; Neoplastic Syndromes, Hereditary; Tumor predisposition. Identifiers: Orphanet 140162, MedGen C0027672, MeSH D009386, MONDO:0015356.
Ataxia-telangiectasia syndrome (AT). Also called: Ataxia-telangiectasia, complementation group E; LOUIS-BAR SYNDROME; Cerebello-oculocutaneous telangiectasia; Immunodeficiency with ataxia telangiectasia; Ataxia-telangiectasia, complementation group D; AT, COMPLEMENTATION GROUP C. Identifiers: Orphanet 100, MedGen C0004135, MONDO:0008840, OMIM 208900.

Submissions (4):

Ambry Genetics
Classification: Likely benign for Hereditary cancer-predisposing syndrome. Last evaluated: 2025-12-02. Review status: criteria provided, single submitter. Criteria: Ambry Variant Classification Scheme 2023. Collection method: clinical testing. Allele origin: germline.

Labcorp Genetics (formerly Invitae), Labcorp
Classification: Uncertain significance for Ataxia-telangiectasia syndrome. Last evaluated: 2025-10-07. Review status: criteria provided, single submitter. Criteria: Invitae Variant Classification Sherloc (09022015). Collection method: clinical testing. Allele origin: germline.
Comment: This sequence change replaces isoleucine, which is neutral and non-polar, with valine, which is neutral and non-polar, at codon 1060 of the ATM protein (p.Ile1060Val). This variant is not present in population databases (gnomAD no frequency). This variant has not been reported in the literature in individuals affected with ATM-related conditions. ClinVar contains an entry for this variant (Variation ID: 920284). Invitae Evidence Modeling of protein sequence and biophysical properties (such as structural, functional, and spatial information, amino acid conservation, physicochemical variation, residue mobility, and thermodynamic stability) indicates that this missense variant is not expected to disrupt ATM protein function with a negative predictive value of 95%. In summary, the available evidence is currently insufficient to determine the role of this variant in disease. Therefore, it has been classified as a Variant of Uncertain Significance.

Color Diagnostics, LLC DBA Color Health
Classification: Uncertain significance for Hereditary cancer-predisposing syndrome. Last evaluated: 2023-12-05. Review status: criteria provided, single submitter. Criteria: ACMG Guidelines, 2015. Collection method: clinical testing. Allele origin: germline.
Comment: This missense variant replaces isoleucine with valine at codon 1060 of the ATM protein. Computational prediction tools and conservation analyses suggest that this variant may not impact the protein function. Computational splicing tools suggest that this variant may not impact RNA splicing. To our knowledge, functional assays have not been performed for this variant nor has this variant been reported in individuals affected with hereditary cancer in the literature. This variant has not been identified in the general population by the Genome Aggregation Database (gnomAD). Available evidence is insufficient to determine the role of this variant in disease conclusively. Therefore, this variant is classified as a Variant of Uncertain Significance.

Natera, Inc.
Classification: Uncertain significance for Ataxia-telangiectasia. Last evaluated: 2020-03-17. Review status: no assertion criteria provided. Collection method: clinical testing. Allele origin: germline. Not counted in ClinVar's aggregate classification.

Literature cited by the submitters: PubMed 40580951 (cited by Ambry Genetics).

NM_000051.4(ATM):c.3178A>G (p.Ile1060Val)

Gene: ATM (ATM serine/threonine kinase; plus strand). Cytogenetic location: 11q22.3.
Variant type: single nucleotide variant.
Coding change: c.3178A>G on transcript NM_000051.4 (MANE Select); coding-DNA position 3178, A replaced by G.
Protein change: p.Ile1060Val; replaces isoleucine 1060 with valine.
Molecular consequence: missense variant.
Genome position (GRCh38, 1-based): chr11:108,272,746, A>G. VCF-style: chr11-108272746-A-G. GRCh37 (hg19) VCF-style: chr11-108143473-A-G.
Other names: c.3178A>G, p.Ile1060Val (NM_001351834.2); short protein forms I1060V.
Identifiers: ClinVar variation 920284 (VCV000920284.17), dbSNP rs2081660483, ClinGen allele CA382515611.